The following is an entry in ClinVar:

ClinVar aggregate classification (germline): Pathogenic (1 of 4 stars; one submission).

Submission:

Seattle Children's Hospital Molecular Genetics Laboratory, Seattle Children's Hospital
Classification: Pathogenic. Review status: criteria provided, single submitter. Criteria: ACMG Guidelines, 2015. Collection method: clinical testing. Allele origin: germline. Affected: yes.
Comment: The c.1149_1171del deletion in RASA1 exon 8 (of 25 total exons) is predicted to alter the reading frame and result in a loss of gene function. Other pathogenic frameshift and nonsense variants in RASA1 have been described in several individuals with multifocal capillary malformations (NBK52764, PMID: 29891884, 24038909, 18446851, 23662773, RASA1 database).

NM_002890.3(RASA1):c.1149_1171del (p.Gly384fs)

Genes: CCNH (cyclin H; minus strand), RASA1 (RAS p21 protein activator 1; plus strand). Cytogenetic location: 5q14.3.
Variant type: Deletion.
Coding change: c.1149_1171del on transcript NM_002890.3 (MANE Select); coding-DNA positions 1149 to 1171, 23 bases deleted (TGGCGATTATTCACTTTATTTCC).
Protein change: p.Gly384fs; shifts the reading frame from glycine 384.
Molecular consequence: frameshift variant. On other transcripts: intron variant (1).
Genome position (GRCh38, 1-based): chr5:87,349,260-87,349,282, TGGCGATTATTCACTTTATTTCC deleted; deleting any 23 consecutive bases within chr5:87,349,257-87,349,282 gives the same sequence; the c. name uses the placement nearest the transcript's 3' end. VCF-style (leftmost placement, unchanged base first): chr5-87349256-CTCCTGGCGATTATTCACTTTATT-C. GRCh37 (hg19) VCF-style: chr5-86645073-CTCCTGGCGATTATTCACTTTATT-C.
Other names: c.618_640del, p.Gly207fs (NM_022650.3); c.934-36484_934-36462del (NM_001364075.2); short protein forms G207fs, G384fs.
Identifiers: ClinVar variation 1691327 (VCV001691327.2), dbSNP rs2112421532, ClinGen allele CA2573140073.